The following is an entry in ClinVar:

NM_000350.3(ABCA4):c.3522+1G>A

Gene: ABCA4 (ATP binding cassette subfamily A member 4; minus strand). Cytogenetic location: 1p22.1.
Variant type: single nucleotide variant.
Coding change: c.3522+1G>A on transcript NM_000350.3 (MANE Select); the canonical splice donor site of the intron after coding-DNA position 3522, G replaced by A.
Molecular consequence: splice donor variant.
Genome position (GRCh38, 1-based): chr1:94,041,208, C>T on the plus strand (G>A on the coding strand, the complement: ABCA4 is on the minus strand). VCF-style: chr1-94041208-C-T. GRCh37 (hg19) VCF-style: chr1-94506764-C-T.
Other names: c.3522+1G>A (NM_000350.2).
Identifiers: ClinVar variation 1067357 (VCV001067357.10), dbSNP rs1265840106, ClinGen allele CA341290380.

ClinVar aggregate classification (germline): Pathogenic/Likely pathogenic. Review status: criteria provided, multiple submitters, no conflicts (2 of 4 stars). 2 submissions from 2 submitters: Pathogenic (1); Likely pathogenic (1). Last evaluated 2024-05-04.

Conditions:
Retinitis pigmentosa 19 (RP19). Also called: ABCA4-Related Retinitis Pigmentosa. Identifiers: Orphanet 791, MedGen C1866422, MONDO:0011137, OMIM 601718.
Cone-rod dystrophy 3 (CORD3). Identifiers: Orphanet 1872, MedGen C1858806, MONDO:0011395, OMIM 604116.
Age related macular degeneration 2. Also called: MACULOPATHY, AGE-RELATED; MACULAR DEGENERATION, SENILE; MACULOPATHY, AGE-RELATED, 2. Identifiers: MedGen C3495438, MONDO:0007932, OMIM 153800.
Severe early-childhood-onset retinal dystrophy (STGD1). Also called: STGD; Stargardt macular dystrophy; Juvenile onset macular degeneration; Stargardt disease 1; MACULAR DYSTROPHY WITH FLECKS, TYPE 1. Identifiers: Orphanet 364055, Orphanet 827, MedGen C1855465, MeSH D000080362, MONDO:0009549, OMIM 248200.

Allele frequency attached by ClinVar (database versions not stated): TOPMed below 0.00001.

Submissions (2):

Labcorp Genetics (formerly Invitae), Labcorp
Classification: Pathogenic. Last evaluated: 2024-05-04. Review status: criteria provided, single submitter. Criteria: Invitae Variant Classification Sherloc (09022015). Collection method: clinical testing. Allele origin: germline.
Comment: This sequence change affects a donor splice site in intron 23 of the ABCA4 gene. It is expected to disrupt RNA splicing. Variants that disrupt the donor or acceptor splice site typically lead to a loss of protein function (PMID: 16199547), and loss-of-function variants in ABCA4 are known to be pathogenic (PMID: 10958761, 24938718, 25312043, 26780318). This variant is not present in population databases (gnomAD no frequency). Disruption of this splice site has been observed in individual(s) with Stargardt disease (PMID: 31543898; Invitae). ClinVar contains an entry for this variant (Variation ID: 1067357). Algorithms developed to predict the effect of sequence changes on RNA splicing suggest that this variant may disrupt the consensus splice site. For these reasons, this variant has been classified as Pathogenic.

Fulgent Genetics
Classification: Likely pathogenic for Age related macular degeneration 2; Severe early-childhood-onset retinal dystrophy; Retinitis pigmentosa 19; Cone-rod dystrophy 3. Last evaluated: 2024-03-21. Review status: criteria provided, single submitter. Criteria: ACMG Guidelines, 2015. Collection method: clinical testing. Allele origin: germline.

Literature cited by the submitters: PubMed 16199547 (cited by Labcorp Genetics (formerly Invitae), Labcorp); PubMed 10958761 (cited by Labcorp Genetics (formerly Invitae), Labcorp); PubMed 24938718 (cited by Labcorp Genetics (formerly Invitae), Labcorp); PubMed 25312043 (cited by Labcorp Genetics (formerly Invitae), Labcorp); PubMed 26780318 (cited by Labcorp Genetics (formerly Invitae), Labcorp); PubMed 31543898 (cited by Labcorp Genetics (formerly Invitae), Labcorp).